The following is an entry in ClinVar:

NM_001194998.2(CEP152):c.4895G>A (p.Cys1632Tyr)

Gene: CEP152 (centrosomal protein 152; minus strand). Cytogenetic location: 15q21.1.
Variant type: single nucleotide variant.
Coding change: c.4895G>A on transcript NM_001194998.2 (MANE Select); coding-DNA position 4895, G replaced by A.
Protein change: p.Cys1632Tyr; replaces cysteine 1632 with tyrosine.
Molecular consequence: missense variant.
Genome position (GRCh38, 1-based): chr15:48,738,487, C>T on the plus strand (G>A on the coding strand, the complement: CEP152 is on the minus strand). VCF-style: chr15-48738487-C-T. GRCh37 (hg19) VCF-style: chr15-49030684-C-T.
Other names: c.4727G>A, p.Cys1576Tyr (NM_014985.4); short protein forms C1632Y, C1576Y.
Identifiers: ClinVar variation 1963403 (VCV001963403.2), dbSNP rs1892723164, ClinGen allele CA392333148.

ClinVar aggregate classification (germline): Uncertain significance (1 of 4 stars; one submission).

Allele frequency attached by ClinVar (database versions not stated): gnomAD exomes below 0.00001; TOPMed 0.00001.
gnomAD v4.1: 1 of 1,614,216 alleles (0.000062%); highest among the groups gnomAD compares: Non-Finnish European, 0.000085%; no homozygotes.

Submission:

Labcorp Genetics (formerly Invitae), Labcorp
Classification: Uncertain significance. Last evaluated: 2022-04-01. Review status: criteria provided, single submitter. Criteria: Invitae Variant Classification Sherloc (09022015). Collection method: clinical testing. Allele origin: germline.
Comment: This sequence change replaces cysteine, which is neutral and slightly polar, with tyrosine, which is neutral and polar, at codon 1576 of the CEP152 protein (p.Cys1576Tyr). This variant is not present in population databases (gnomAD no frequency). This variant has not been reported in the literature in individuals affected with CEP152-related conditions. Algorithms developed to predict the effect of missense changes on protein structure and function are either unavailable or do not agree on the potential impact of this missense change (SIFT: "Deleterious"; PolyPhen-2: "Benign"; Align-GVGD: "Class C0"). In summary, the available evidence is currently insufficient to determine the role of this variant in disease. Therefore, it has been classified as a Variant of Uncertain Significance.